The following is an entry in ClinVar:

ClinVar aggregate classification (germline): Uncertain significance (1 of 4 stars; one submission).

gnomAD v4.1: 6 of 1,614,180 alleles (0.00037%); highest among the groups gnomAD compares: Non-Finnish European, 0.00042%; no homozygotes.

Submission:

Labcorp Genetics (formerly Invitae), Labcorp
Classification: Uncertain significance. Last evaluated: 2024-04-18. Review status: criteria provided, single submitter. Criteria: Invitae Variant Classification Sherloc (09022015). Collection method: clinical testing. Allele origin: germline.
Comment: This sequence change replaces alanine, which is neutral and non-polar, with proline, which is neutral and non-polar, at codon 594 of the MAK protein (p.Ala594Pro). This variant is not present in population databases (gnomAD no frequency). This variant has not been reported in the literature in individuals affected with MAK-related conditions. Advanced modeling of protein sequence and biophysical properties (such as structural, functional, and spatial information, amino acid conservation, physicochemical variation, residue mobility, and thermodynamic stability) performed at Invitae indicates that this missense variant is not expected to disrupt MAK protein function with a negative predictive value of 95%. In summary, the available evidence is currently insufficient to determine the role of this variant in disease. Therefore, it has been classified as a Variant of Uncertain Significance.

NM_001242957.3(MAK):c.1780G>C (p.Ala594Pro)

Gene: MAK (male germ cell associated kinase; minus strand). Cytogenetic location: 6p24.2.
Variant type: single nucleotide variant.
Coding change: c.1780G>C on transcript NM_001242957.3 (MANE Select); coding-DNA position 1780, G replaced by C.
Protein change: p.Ala594Pro; replaces alanine 594 with proline.
Molecular consequence: missense variant. On other transcripts: non-coding transcript variant (2), intron variant (2).
Genome position (GRCh38, 1-based): chr6:10,770,123, C>G on the plus strand (G>C on the coding strand, the complement: MAK is on the minus strand). VCF-style: chr6-10770123-C-G. GRCh37 (hg19) VCF-style: chr6-10770356-C-G.
Other names: c.1705G>C, p.Ala569Pro (NM_005906.6); c.1495+5205G>C (NM_001377262.1); c.1597+5205G>C (NM_001242385.2); short protein forms A569P, A594P.
Identifiers: ClinVar variation 3670591 (VCV003670591.2).